The following is an entry in ClinVar:

NM_001819.3(CHGB):c.1953C>T (p.Asp651=)

Genes: CHGB (chromogranin B; plus strand), LOC126862962 (BRD4-independent group 4 enhancer GRCh37_chr20:5904456-5905655; plus strand). Cytogenetic location: 20p12.3.
Variant type: single nucleotide variant.
Coding change: c.1953C>T on transcript NM_001819.3 (MANE Select); coding-DNA position 1953, C replaced by T.
Protein change: p.Asp651=; no amino-acid change (aspartic acid 651 retained).
Molecular consequence: synonymous variant.
Genome position (GRCh38, 1-based): chr20:5,924,097, C>T. VCF-style: chr20-5924097-C-T. GRCh37 (hg19) VCF-style: chr20-5904743-C-T.
Identifiers: ClinVar variation 3052951 (VCV003052951.2), dbSNP rs56291961, ClinGen allele CA9755803.

ClinVar aggregate classification (germline): Likely benign (0 of 4 stars; one submission).

Conditions:
CHGB-related disorder. Also called: CHGB-related condition.

Allele frequency attached by ClinVar (database versions not stated): 1000 Genomes Project 30x 0.00047; 1000 Genomes Project 0.00060; TOPMed 0.00074; gnomAD 0.00076; ExAC 0.00077; ESP Exome Variant Server 0.00108; gnomAD exomes 0.00114.
gnomAD v4.1: 1,765 of 1,606,532 alleles (0.11%); highest among the groups gnomAD compares: Non-Finnish European, 0.14%; 2 homozygotes.

Submission:

PreventionGenetics, part of Exact Sciences
Classification: Likely benign for CHGB-related condition. Last evaluated: 2020-01-06. Review status: no assertion criteria provided. Collection method: clinical testing. Allele origin: germline.
Comment: This variant is classified as likely benign based on ACMG/AMP sequence variant interpretation guidelines (Richards et al. 2015 PMID: 25741868, with internal and published modifications).